The following is an entry in ClinVar:

NM_004770.3(KCNB2):c.1205G>A (p.Cys402Tyr)

Gene: KCNB2 (potassium voltage-gated channel subfamily B member 2; plus strand). Cytogenetic location: 8q21.11.
Variant type: single nucleotide variant.
Coding change: c.1205G>A on transcript NM_004770.3 (MANE Select); coding-DNA position 1205, G replaced by A.
Protein change: p.Cys402Tyr; replaces cysteine 402 with tyrosine.
Molecular consequence: missense variant.
Genome position (GRCh38, 1-based): chr8:72,936,560, G>A. VCF-style: chr8-72936560-G-A. GRCh37 (hg19) VCF-style: chr8-73848795-G-A.
Other names: short protein forms C402Y.
Identifiers: ClinVar variation 2658651 (VCV002658651.24), dbSNP rs2487598161, ClinGen allele CA371477029.

ClinVar aggregate classification (germline): Uncertain significance (1 of 4 stars; one submission).

Submission:

CeGaT Center for Human Genetics Tuebingen
Classification: Uncertain significance. Last evaluated: 2023-06-01. Review status: criteria provided, single submitter. Criteria: CeGaT Center For Human Genetics Tuebingen Variant Classification Criteria Version 2. Collection method: clinical testing. Allele origin: germline. Affected: yes. Observed: 1 variant allele.
Comment: KCNB2: PM2, PP3